The following is an entry in ClinVar:

ClinVar aggregate classification (germline): Uncertain significance. Review status: criteria provided, multiple submitters, no conflicts (2 of 4 stars). 3 submissions from 3 submitters: Uncertain significance (3). Last evaluated 2025-11-13.

Allele frequency attached by ClinVar (database versions not stated): gnomAD 0.00001; gnomAD exomes 0.00006; ExAC 0.00015; TOPMed 0.00009.
gnomAD v4.1: 34 of 1,613,792 alleles (0.0021%); highest among the groups gnomAD compares: Admixed American, 0.057%; no homozygotes.

Submissions (3):

Ambry Genetics
Classification: Uncertain significance. Last evaluated: 2025-11-13. Review status: criteria provided, single submitter. Criteria: Ambry Variant Classification Scheme 2023. Collection method: clinical testing. Allele origin: germline.

Women's Health and Genetics/Laboratory Corporation of America, LabCorp
Classification: Uncertain significance. Last evaluated: 2023-11-14. Review status: criteria provided, single submitter. Criteria: LabCorp Variant Classification Summary - May 2015. Collection method: clinical testing. Allele origin: germline.
Comment: Variant summary: LARS1 c.1834G>A (p.Gly612Arg) results in a non-conservative amino acid change located in the Aminoacyl-tRNA synthetase, class Ia (IPR002300) of the encoded protein sequence. Three of five in-silico tools predict a benign effect of the variant on protein function. The variant was absent in 251364 control chromosomes. The available data on variant occurrences in the general population are insufficient to allow any conclusion about variant significance. To our knowledge, no occurrence of c.1834G>A in individuals affected with Liver Failure Acute Infantile, Type 1 and no experimental evidence demonstrating its impact on protein function have been reported. One submitter has cited clinical-significance assessments for this variant to ClinVar after 2014 and has classified the variant as uncertain significance. Based on the evidence outlined above, the variant was classified as uncertain significance.

Labcorp Genetics (formerly Invitae), Labcorp
Classification: Uncertain significance. Last evaluated: 2023-08-17. Review status: criteria provided, single submitter. Criteria: Invitae Variant Classification Sherloc (09022015). Collection method: clinical testing. Allele origin: germline.
Comment: This sequence change replaces glycine, which is neutral and non-polar, with arginine, which is basic and polar, at codon 612 of the LARS protein (p.Gly612Arg). In summary, the available evidence is currently insufficient to determine the role of this variant in disease. Therefore, it has been classified as a Variant of Uncertain Significance. Advanced modeling of protein sequence and biophysical properties (such as structural, functional, and spatial information, amino acid conservation, physicochemical variation, residue mobility, and thermodynamic stability) performed at Invitae indicates that this missense variant is not expected to disrupt LARS protein function. ClinVar contains an entry for this variant (Variation ID: 2080473). This variant has not been reported in the literature in individuals affected with LARS-related conditions. This variant is present in population databases (rs771642013, gnomAD 0.09%).

NM_020117.11(LARS1):c.1834G>A (p.Gly612Arg)

Gene: LARS1 (leucyl-tRNA synthetase 1; minus strand). Cytogenetic location: 5q32.
Variant type: single nucleotide variant.
Coding change: c.1834G>A on transcript NM_020117.11 (MANE Select); coding-DNA position 1834, G replaced by A.
Protein change: p.Gly612Arg; replaces glycine 612 with arginine.
Molecular consequence: missense variant.
Genome position (GRCh38, 1-based): chr5:146,143,455, C>T on the plus strand (G>A on the coding strand, the complement: LARS1 is on the minus strand). VCF-style: chr5-146143455-C-T. GRCh37 (hg19) VCF-style: chr5-145523018-C-T.
Other names: c.1696G>A, p.Gly566Arg (NM_001317964.2); c.1672G>A, p.Gly558Arg (NM_001317965.2); c.1753G>A, p.Gly585Arg (NM_016460.4); c.1834G>A (NM_020117.9); short protein forms G566R, G558R, G585R, G612R.
Identifiers: ClinVar variation 2080473 (VCV002080473.5), dbSNP rs771642013, ClinGen allele CA3489499.